The following is an entry in ClinVar:

ClinVar aggregate classification (germline): Uncertain significance. Review status: criteria provided, multiple submitters, no conflicts (2 of 4 stars). 2 submissions from 2 submitters: Uncertain significance (2). Last evaluated 2024-12-15.

Conditions:
Cardiovascular phenotype. Identifiers: MedGen CN230736.
Hereditary cancer-predisposing syndrome. Also called: Neoplastic Syndromes, Hereditary; Tumor predisposition; Hereditary Cancer Syndrome; Hereditary neoplastic syndrome. Identifiers: Orphanet 140162, MedGen C0027672, MeSH D009386, MONDO:0015356.

Submissions (2):

Ambry Genetics
Classification: Uncertain significance for Cardiovascular phenotype; Hereditary cancer-predisposing syndrome. Last evaluated: 2024-12-15. Review status: criteria provided, single submitter. Criteria: Ambry Variant Classification Scheme 2023. Collection method: clinical testing. Allele origin: germline.
Comment: The p.F260S variant (also known as c.779T>C), located in coding exon 8 of the LZTR1 gene, results from a T to C substitution at nucleotide position 779. The phenylalanine at codon 260 is replaced by serine, an amino acid with highly dissimilar properties. This amino acid position is conserved. In addition, this alteration is predicted to be deleterious by in silico analysis. Based on the available evidence, the clinical significance of this variant remains unclear.

Blueprint Genetics
Classification: Uncertain significance. Last evaluated: 2023-09-14. Review status: criteria provided, single submitter. Criteria: ACMG Guidelines, 2015. Collection method: clinical testing. Allele origin: germline.

NM_006767.4(LZTR1):c.779T>C (p.Phe260Ser)

Gene: LZTR1 (leucine zipper like post translational regulator 1; plus strand). Cytogenetic location: 22q11.21.
Variant type: single nucleotide variant.
Coding change: c.779T>C on transcript NM_006767.4 (MANE Select); coding-DNA position 779, T replaced by C.
Protein change: p.Phe260Ser; replaces phenylalanine 260 with serine.
Molecular consequence: missense variant.
Genome position (GRCh38, 1-based): chr22:20,990,513, T>C. VCF-style: chr22-20990513-T-C. GRCh37 (hg19) VCF-style: chr22-21344802-T-C.
Other names: short protein forms F260S.
Identifiers: ClinVar variation 3869270 (VCV003869270.2).